The following is an entry in ClinVar:

ClinVar aggregate classification (germline): Likely benign (1 of 4 stars; one submission).

Submission:

CeGaT Center for Human Genetics Tuebingen
Classification: Likely benign. Last evaluated: 2025-12-01. Review status: criteria provided, single submitter. Criteria: CeGaT Center For Human Genetics Tuebingen Variant Classification Criteria Version 2. Collection method: clinical testing. Allele origin: germline. Affected: yes. Observed: 1 variant allele.
Comment: LAMA1: BP4, BP7

NM_005559.4(LAMA1):c.894G>C (p.Gly298=)

Gene: LAMA1 (laminin subunit alpha 1; minus strand). Cytogenetic location: 18p11.31.
Variant type: single nucleotide variant.
Coding change: c.894G>C on transcript NM_005559.4 (MANE Select); coding-DNA position 894, G replaced by C.
Protein change: p.Gly298=; no amino-acid change (glycine 298 retained).
Molecular consequence: synonymous variant.
Genome position (GRCh38, 1-based): chr18:7,044,804, C>G on the plus strand (G>C on the coding strand, the complement: LAMA1 is on the minus strand). VCF-style: chr18-7044804-C-G. GRCh37 (hg19) VCF-style: chr18-7044803-C-G.
Identifiers: ClinVar variation 4681901 (VCV004681901.5).